The following is an entry in ClinVar:

NM_004183.4(BEST1):c.943_948+26del

Gene: BEST1 (bestrophin 1; plus strand). Cytogenetic location: 11q12.3.
Variant type: Deletion.
Coding change: c.943_948+26del on transcript NM_004183.4 (MANE Select); coding-DNA position 943 through 26 bases into the intron after coding-DNA position 948, 32 bases deleted.
Molecular consequence: splice donor variant. On other transcripts: intron variant (4).
Genome position (GRCh38, 1-based): chr11:61,959,573-61,959,604, 32 bases deleted. GRCh37 (hg19): chr11:61,727,045-61,727,076.
Other names: c.1146_1151+26del (NM_001363592.2); c.943_948+26del (NM_001440571.1); c.868-319_868-288del (NM_001440572.1); c.790_795+26del (NM_001440573.1); c.763_768+26del (NM_001139443.3, NM_001300787.2); c.688-319_688-288del (NM_001440574.1, NM_001300786.2); c.610_615+26del (NM_001440575.1); c.535-319_535-288del (NM_001440576.1); and 2 more.
Identifiers: ClinVar variation 4729533 (VCV004729533.1).

ClinVar aggregate classification (germline): Likely pathogenic (1 of 4 stars; one submission).

Submission:

Labcorp Genetics (formerly Invitae), Labcorp
Classification: Likely pathogenic. Last evaluated: 2025-10-20. Review status: criteria provided, single submitter. Criteria: Invitae Variant Classification Sherloc (09022015). Collection method: clinical testing. Allele origin: germline.
Comment: This variant results in the deletion of part of exon 8 (c.943_948+26del) of the BEST1 gene. It is expected to disrupt RNA splicing. Variants that disrupt the donor or acceptor splice site typically lead to a loss of protein function (PMID: 16199547), and loss-of-function variants in BEST1 are known to be pathogenic (PMID: 21825197). This variant is not present in population databases (gnomAD no frequency). This variant has not been reported in the literature in individuals affected with BEST1-related conditions. In summary, the currently available evidence indicates that the variant is pathogenic, but additional data are needed to prove that conclusively. Therefore, this variant has been classified as Likely Pathogenic.

Literature cited by the submitters: PubMed 16199547; PubMed 21825197.